The following is an entry in ClinVar:

NM_018344.6(SLC29A3):c.330C>T (p.Ala110=)

Genes: SLC29A3 (solute carrier family 29 member 3; plus strand), LOC105378353 (uncharacterized LOC105378353; minus strand). Cytogenetic location: 10q22.1.
Variant type: single nucleotide variant.
Coding change: c.330C>T on transcript NM_018344.6 (MANE Select); coding-DNA position 330, C replaced by T.
Protein change: p.Ala110=; no amino-acid change (alanine 110 retained).
Molecular consequence: synonymous variant.
Genome position (GRCh38, 1-based): chr10:71,344,238, C>T. VCF-style: chr10-71344238-C-T. GRCh37 (hg19) VCF-style: chr10-73103995-C-T.
Other names: c.330C>T, p.Ala110= (NM_001174098.2); c.96C>T, p.Ala32= (NM_001363518.2).
Identifiers: ClinVar variation 2809981 (VCV002809981.9), dbSNP rs1021250312, ClinGen allele CA470058864.

ClinVar aggregate classification (germline): Likely benign. Review status: criteria provided, multiple submitters, no conflicts (2 of 4 stars). 2 submissions from 2 submitters: Likely benign (2). Last evaluated 2025-11-01.

Conditions:
H syndrome. Also called: Histiocytosis with joint contractures and sensorineural deafness; HISTIOCYTOSIS AND LYMPHADENOPATHY WITH OR WITHOUT CUTANEOUS, CARDIAC, AND/OR ENDOCRINE FEATURES, JOINT CONTRACTURES, AND/OR DEAFNESS; HYPERPIGMENTATION, CUTANEOUS, WITH HYPERTRICHOSIS, HEPATOSPLENOMEGALY, HEART ANOMALIES, AND HYPOGONADISM WITH OR WITHOUT HEARING LOSS; PIGMENTED HYPERTRICHOSIS WITH INSULIN-DEPENDENT DIABETES MELLITUS; ROSAI-DORFMAN DISEASE, FAMILIAL; SINUS HISTIOCYTOSIS AND MASSIVE LYMPHADENOPATHY. Identifiers: Orphanet 168569, MedGen C1864445, MONDO:0011273, OMIM 602782.

Submissions (2):

CeGaT Center for Human Genetics Tuebingen
Classification: Likely benign. Last evaluated: 2025-11-01. Review status: criteria provided, single submitter. Criteria: CeGaT Center For Human Genetics Tuebingen Variant Classification Criteria Version 2. Collection method: clinical testing. Allele origin: germline. Affected: yes. Observed: 1 variant allele.
Comment: SLC29A3: PM2:Supporting, BP4, BP7

Labcorp Genetics (formerly Invitae), Labcorp
Classification: Likely benign for H syndrome. Last evaluated: 2025-01-18. Review status: criteria provided, single submitter. Criteria: Invitae Variant Classification Sherloc (09022015). Collection method: clinical testing. Allele origin: germline.